The following is an entry in ClinVar:

ClinVar aggregate classification (germline): Likely benign (1 of 4 stars; one submission).

Allele frequency attached by ClinVar (database versions not stated): gnomAD 0.00002; TOPMed 0.00003; gnomAD exomes 0.00006.
gnomAD v4.1: 54 of 985,344 alleles (0.0055%); highest among the groups gnomAD compares: Non-Finnish European, 0.0063%; no homozygotes.

Submission:

CeGaT Center for Human Genetics Tuebingen
Classification: Likely benign. Last evaluated: 2026-04-01. Review status: criteria provided, single submitter. Criteria: CeGaT Center For Human Genetics Tuebingen Variant Classification Criteria Version 2. Collection method: clinical testing. Allele origin: germline. Affected: yes. Observed: 2 variant alleles.
Comment: CCND2: PP2, BS2

NM_001759.4(CCND2):c.572-3531C>T

Gene: CCND2 (cyclin D2; plus strand). Cytogenetic location: 12p13.32.
Variant type: single nucleotide variant.
Coding change: c.572-3531C>T on transcript NM_001759.4 (MANE Select); 3531 bases into the intron before coding-DNA position 572, C replaced by T.
Molecular consequence: intron variant.
Genome position (GRCh38, 1-based): chr12:4,285,311, C>T. VCF-style: chr12-4285311-C-T. GRCh37 (hg19) VCF-style: chr12-4394477-C-T.
Identifiers: ClinVar variation 2642580 (VCV002642580.24), dbSNP rs919504453, ClinGen allele CA231735972.
Genomic context (GRCh38, chr12:4,285,311, plus strand): 5'-TCATTGCCTCTCTCTCTGCTGCAGGAGGAAGGATCTCAGGAAGTCACCAGCATCTCACCT[C>T]TCCAGGTGGGCAATTAACGATGGCGAGGGCACACCCTCACCCCTGAGCGTGCCTTCTGCA-3'